The following is an entry in ClinVar:

NM_019032.6(ADAMTSL4):c.453del (p.Ile152fs)

Genes: ADAMTSL4 (ADAMTS like 4; plus strand), ADAMTSL4-AS2 (ADAMTSL4 antisense RNA 2; minus strand). Cytogenetic location: 1q21.2.
Variant type: Deletion.
Coding change: c.453del on transcript NM_019032.6 (MANE Select); coding-DNA position 453, one base deleted (C; older notation c.453delC).
Protein change: p.Ile152fs; shifts the reading frame from isoleucine 152.
Molecular consequence: frameshift variant.
Genome position (GRCh38, 1-based): chr1:150,553,444, C deleted; the last of 4 consecutive C bases (chr1:150,553,441-150,553,444); deleting any one gives the same sequence. VCF-style (leftmost placement, unchanged base first): chr1-150553440-AC-A. GRCh37 (hg19) VCF-style: chr1-150525916-AC-A.
Other names: c.453del, p.Ile152fs (NM_001378596.1, NM_025008.5, NM_001288607.2 and 1 more transcripts); short protein forms I152fs.
Identifiers: ClinVar variation 4769876 (VCV004769876.1).

ClinVar aggregate classification (germline): Pathogenic (1 of 4 stars; one submission).

Submission:

Labcorp Genetics (formerly Invitae), Labcorp
Classification: Pathogenic. Last evaluated: 2025-05-15. Review status: criteria provided, single submitter. Criteria: Invitae Variant Classification Sherloc (09022015). Collection method: clinical testing. Allele origin: germline.
Comment: This sequence change creates a premature translational stop signal (p.Ile152Serfs*34) in the ADAMTSL4 gene. It is expected to result in an absent or disrupted protein product. Loss-of-function variants in ADAMTSL4 are known to be pathogenic (PMID: 20564469, 28642162). This variant is not present in population databases (gnomAD no frequency). This variant has not been reported in the literature in individuals affected with ADAMTSL4-related conditions. For these reasons, this variant has been classified as Pathogenic.

Literature cited by the submitters: PubMed 20564469; PubMed 28642162.